The following is an entry in ClinVar:

NM_012463.4(ATP6V0A2):c.777G>A (p.Arg259=)

Gene: ATP6V0A2 (ATPase H+ transporting V0 subunit a2; plus strand). Cytogenetic location: 12q24.31.
Variant type: single nucleotide variant.
Coding change: c.777G>A on transcript NM_012463.4 (MANE Select); coding-DNA position 777, G replaced by A.
Protein change: p.Arg259=; no amino-acid change (arginine 259 retained).
Molecular consequence: synonymous variant.
Genome position (GRCh38, 1-based): chr12:123,735,576, G>A. VCF-style: chr12-123735576-G-A. GRCh37 (hg19) VCF-style: chr12-124220123-G-A.
Identifiers: ClinVar variation 307581 (VCV000307581.17), dbSNP rs73420336, ClinGen allele CA6861733.

ClinVar aggregate classification (germline): Benign. Review status: criteria provided, multiple submitters, no conflicts (2 of 4 stars). 4 submissions from 4 submitters: Benign (4). Last evaluated 2026-01-26.

Conditions:
Cutis laxa with osteodystrophy (ARCL2A). Also called: Debré-Type Cutis Laxa; CUTIS LAXA WITH CONGENITAL DISORDER OF GLYCOSYLATION; CUTIS LAXA, AUTOSOMAL RECESSIVE, TYPE IIA; CUTIS LAXA WITH BONE DYSTROPHY; CUTIS LAXA WITH GROWTH AND DEVELOPMENTAL DELAY; CUTIS LAXA WITH JOINT LAXITY AND RETARDED DEVELOPMENT. Identifiers: Orphanet 357058, MedGen C0268355, MONDO:0018163, OMIM 219200. Disease mechanism: loss of function.
ALG9 congenital disorder of glycosylation (CDG1L). Also called: CDG Il; CONGENITAL DISORDER OF GLYCOSYLATION, TYPE Il; ALG9-CDG. Identifiers: Orphanet 79328, MedGen C2931006, MONDO:0012117, OMIM 608776.

Allele frequency attached by ClinVar (database versions not stated): gnomAD exomes 0.00094 and 0.00257; ExAC 0.00303; gnomAD 0.00880 and 0.00931; ESP Exome Variant Server 0.00969; TOPMed 0.01002; 1000 Genomes Project 30x 0.01312; 1000 Genomes Project 0.01318.

Submissions (4):

Labcorp Genetics (formerly Invitae), Labcorp
Classification: Benign for ALG9 congenital disorder of glycosylation. Last evaluated: 2026-01-26. Review status: criteria provided, single submitter. Criteria: Invitae Variant Classification Sherloc (09022015). Collection method: clinical testing. Allele origin: germline.

Illumina Laboratory Services, Illumina
Classification: Benign for Cutis laxa with osteodystrophy. Last evaluated: 2018-01-13. Review status: criteria provided, single submitter. Criteria: ICSL Variant Classification Criteria 13 December 2019. Collection method: clinical testing. Allele origin: germline.
Comment: This variant was observed in the ICSL laboratory as part of a predisposition screen in an ostensibly healthy population. It had not been previously curated by ICSL or reported in the Human Gene Mutation Database (HGMD: prior to June 1st, 2018), and was therefore a candidate for classification through an automated scoring system. Utilizing variant allele frequency, disease prevalence and penetrance estimates, and inheritance mode, an automated score was calculated to assess if this variant is too frequent to cause the disease. Based on the score and internal cut-off values, a variant classified as benign is not then subjected to further curation. The score for this variant resulted in a classification of benign for this disease.

GeneDx
Classification: Benign. Last evaluated: 2016-04-05. Review status: criteria provided, single submitter. Criteria: GeneDx Variant Classification (06012015). Collection method: clinical testing. Allele origin: germline. Affected: yes.
Comment: This variant is considered likely benign or benign based on one or more of the following criteria: it is a conservative change, it occurs at a poorly conserved position in the protein, it is predicted to be benign by multiple in silico algorithms, and/or has population frequency not consistent with disease.

Breakthrough Genomics
Classification: Benign. Review status: criteria provided, single submitter. Criteria: ACMG Guidelines, 2015. Collection method: not provided. Allele origin: germline. Inheritance: Autosomal recessive inheritance. Affected: yes.